The following is an entry in ClinVar:

ClinVar aggregate classification (germline): Uncertain significance (1 of 4 stars; one submission).

Conditions:
Spinocerebellar ataxia type 15/16 (SCA15). Also called: Spinocerebellar Ataxia Type 15. Identifiers: Orphanet 98769, MedGen C1847725, MONDO:0011694, OMIM 606658.

gnomAD v4.1: 15 of 1,613,918 alleles (0.00093%); highest among the groups gnomAD compares: Non-Finnish European, 0.0012%; no homozygotes.

Submission:

Victorian Clinical Genetics Services, Murdoch Childrens Research Institute
Classification: Uncertain significance for Spinocerebellar ataxia type 15/16. Last evaluated: 2023-07-16. Review status: criteria provided, single submitter. Criteria: ACMG Guidelines, 2015. Collection method: clinical testing. Allele origin: germline. Inheritance: Autosomal dominant inheritance. Affected: yes.
Comment: Based on the classification scheme VCGS_Germline_v1.3.4, this variant is classified as VUS-3B. Following criteria are met: 0103 - Loss of function and gain of function are known mechanisms of disease in this gene and are associated with spinocerebellar ataxia 29, congenital nonprogressive (MIM#117360). Missense variants have been reported to cause both loss and gain of function mechanisms (PMID: 28620721, PMID: 29925855, OMIM), while variants resulting in a truncated protein have been reported to cause loss of function only (PMID: 29925855). (I) 0108 - This gene is associated with both recessive and dominant disease. There is no established genotype-phenotype correlation regarding the location of a variant and its mode of inheritance. (I) 0200 - Variant is predicted to result in a missense amino acid change from glycine to valine. (I) 0251 - This variant is heterozygous. (I) 0302 - Variant is present in gnomAD (v2, v3) <0.001 for a dominant condition (2 heterozygotes, 0 homozygotes). (SP) 0309 - Multiple alternative amino acid changes at the same position have been observed in gnomAD (v2) (highest allele count: 1 heterozygote, 0 homozygotes). (I) 0501 - Missense variant consistently predicted to be damaging by multiple in silico tools or highly conserved with a major amino acid change. (SP) 0604 - Variant is not located in an established domain, motif, hotspot or informative constraint region. (I) 0705 - No comparable missense variants have previous evidence for pathogenicity. (I) 0807 - This variant has no previous evidence of pathogenicity. (I) 0905 - No published segregation evidence has been identified for this variant. (I) 1007 - No published functional evidence has been identified for this variant. (I) 1208 - Inheritance information for this variant is not currently available in this individual. (I) Legend: (SP) - Supporting pathogenic, (I) - Information, (SB) - Supporting benign

Literature cited by the submitters: PubMed 28620721; PubMed 29925855.

NM_001378452.1(ITPR1):c.5327G>T (p.Gly1776Val)

Gene: ITPR1 (inositol 1,4,5-trisphosphate receptor type 1; plus strand). Cytogenetic location: 3p26.1.
Variant type: single nucleotide variant.
Coding change: c.5327G>T on transcript NM_001378452.1 (MANE Select); coding-DNA position 5327, G replaced by T.
Protein change: p.Gly1776Val; replaces glycine 1776 with valine.
Molecular consequence: missense variant.
Genome position (GRCh38, 1-based): chr3:4,733,194, G>T. VCF-style: chr3-4733194-G-T. GRCh37 (hg19) VCF-style: chr3-4774878-G-T.
Other names: c.5183G>T, p.Gly1728Val (NM_001099952.4); c.5282G>T, p.Gly1761Val (NM_001168272.2); c.5138G>T, p.Gly1713Val (NM_002222.7); short protein forms G1713V, G1728V, G1761V, G1776V.
Identifiers: ClinVar variation 3376909 (VCV003376909.1).